The following is an entry in ClinVar:

NM_001040113.2(MYH11):c.654+1G>T

Gene: MYH11 (myosin heavy chain 11; minus strand). Cytogenetic location: 16p13.11.
Variant type: single nucleotide variant.
Coding change: c.654+1G>T on transcript NM_001040113.2 (MANE Plus Clinical); the canonical splice donor site of the intron after coding-DNA position 654, G replaced by T.
Molecular consequence: splice donor variant. On other transcripts: intron variant (2).
Genome position (GRCh38, 1-based): chr16:15,784,697, C>A on the plus strand (G>T on the coding strand, the complement: MYH11 is on the minus strand). VCF-style: chr16-15784697-C-A. GRCh37 (hg19) VCF-style: chr16-15878554-C-A.
Other names: c.633+1933G>T (NM_002474.3, NM_022844.3); c.654+1G>T (NM_001040114.2).
Identifiers: ClinVar variation 4804422 (VCV004804422.1).
Genomic context (GRCh38, chr16:15,784,697, plus strand): 5'-GCAGATCTAAGTTCACTCCGTGCCTCCCCTACACACCAGGAAAACACTCTCAGTTACTCA[C>A]GTAGGCAAAAGATGGGCCTTGCTGTGGTTGAACAACACAGTATAAAACAAATGTCAGCGT-3'

ClinVar aggregate classification (germline): Likely pathogenic (1 of 4 stars; one submission).

Conditions:
Aortic aneurysm, familial thoracic 4 (AAT4). Also called: AORTIC ANEURYSM/AORTIC DISSECTION AND PATENT DUCTUS ARTERIOSUS. Identifiers: MedGen C1851504, MONDO:0007568, OMIM 132900.

Submission:

Labcorp Genetics (formerly Invitae), Labcorp
Classification: Likely pathogenic for Aortic aneurysm, familial thoracic 4. Last evaluated: 2025-10-10. Review status: criteria provided, single submitter. Criteria: Invitae Variant Classification Sherloc (09022015). Collection method: clinical testing. Allele origin: germline.
Comment: This sequence change affects a donor splice site in intron 6 of the MYH11 gene. It is expected to disrupt RNA splicing. Variants that disrupt the donor or acceptor splice site typically lead to a loss of protein function (PMID: 16199547), and loss-of-function variants in MYH11 are known to be pathogenic (PMID: 25407000, 29575632). This variant is not present in population databases (gnomAD no frequency). This variant has not been reported in the literature in individuals affected with MYH11-related conditions. In summary, the currently available evidence indicates that the variant is pathogenic, but additional data are needed to prove that conclusively. Therefore, this variant has been classified as Likely Pathogenic.

Literature cited by the submitters: PubMed 16199547; PubMed 25407000; PubMed 29575632.